The following is an entry in ClinVar:

NM_001205293.3(CACNA1E):c.2105C>G (p.Ala702Gly)

Gene: CACNA1E (calcium voltage-gated channel subunit alpha1 E; plus strand). Cytogenetic location: 1q25.3.
Variant type: single nucleotide variant.
Coding change: c.2105C>G on transcript NM_001205293.3 (MANE Select); coding-DNA position 2105, C replaced by G.
Protein change: p.Ala702Gly; replaces alanine 702 with glycine.
Molecular consequence: missense variant.
Genome position (GRCh38, 1-based): chr1:181,724,500, C>G. VCF-style: chr1-181724500-C-G. GRCh37 (hg19) VCF-style: chr1-181693636-C-G.
Other names: c.2105C>G, p.Ala702Gly (NM_000721.4, NM_001205294.2); short protein forms A702G.
Identifiers: ClinVar variation 3262735 (VCV003262735.1).

ClinVar aggregate classification (germline): Likely pathogenic (1 of 4 stars; one submission).

Conditions:
Inborn genetic diseases. Identifiers: MedGen C0950123, MeSH D030342.

Submission:

Ambry Genetics
Classification: Likely pathogenic for Inborn genetic diseases. Last evaluated: 2024-06-17. Review status: criteria provided, single submitter. Criteria: Ambry Variant Classification Scheme 2023. Collection method: clinical testing. Allele origin: germline.
Comment: The c.2105C>G (p.A702G) alteration is located in exon 17 (coding exon 17) of the CACNA1E gene. This alteration results from a C to G substitution at nucleotide position 2105, causing the alanine (A) at amino acid position 702 to be replaced by a glycine (G). This variant was not reported in population-based cohorts in the Genome Aggregation Database (gnomAD). Two other alterations at the same codon, c.2104G>A (p.A702T) and c.2104 G>C (p.A702P), have been described in individuals with CACNA1E-related neurodevelopmental disorder (Helbig, 2018). This amino acid position is highly conserved in available vertebrate species. This missense alteration is located in a region that has a low rate of benign missense variation (Lek, 2016; Firth, 2009). Based on internal structural analysis, A702G disrupts a conserved motif in the VSDII S6 helix involved in open-closed conformation regulation (Raybaud, 2007; Wall-Lacelle, 2011; Hering, 2018; Yao, 2022). This alteration is predicted to be deleterious by in silico analysis. Based on the available evidence, this alteration is classified as likely pathogenic.

Literature cited by the submitters: PubMed 17660294; PubMed 21652722; PubMed 29951751; PubMed 30343943; PubMed 36446785.